The following is an entry in ClinVar:

ClinVar aggregate classification (germline): Uncertain significance. Review status: criteria provided, multiple submitters, no conflicts (2 of 4 stars). 2 submissions from 2 submitters: Uncertain significance (2). Last evaluated 2024-11-09.

Conditions:
Inborn genetic diseases. Identifiers: MedGen C0950123, MeSH D030342.
Charcot-Marie-Tooth disease type 4. Also called: Charcot-Marie-Tooth disease, type IV; Charcot-Marie-Tooth, Type 4. Identifiers: Orphanet 64749, MedGen C4082197, MONDO:0018995.

Allele frequency attached by ClinVar (database versions not stated): gnomAD exomes 0.00002 and 0.00004; ExAC 0.00007; gnomAD 0.00022 and 0.00024; ESP Exome Variant Server 0.00023; TOPMed 0.00026.
gnomAD v4.1: 63 of 1,613,492 alleles (0.0039%); highest among the groups gnomAD compares: African/African-American, 0.073%; no homozygotes.

Submissions (2):

Ambry Genetics
Classification: Uncertain significance for Inborn genetic diseases. Last evaluated: 2024-11-09. Review status: criteria provided, single submitter. Criteria: Ambry Variant Classification Scheme 2023. Collection method: clinical testing. Allele origin: germline.

Labcorp Genetics (formerly Invitae), Labcorp
Classification: Uncertain significance for Charcot-Marie-Tooth disease type 4. Last evaluated: 2022-04-28. Review status: criteria provided, single submitter. Criteria: Invitae Variant Classification Sherloc (09022015). Collection method: clinical testing. Allele origin: germline.
Comment: This sequence change replaces isoleucine, which is neutral and non-polar, with valine, which is neutral and non-polar, at codon 980 of the SBF2 protein (p.Ile980Val). This variant is present in population databases (rs148625171, gnomAD 0.07%). This variant has not been reported in the literature in individuals affected with SBF2-related conditions. ClinVar contains an entry for this variant (Variation ID: 578552). Algorithms developed to predict the effect of missense changes on protein structure and function are either unavailable or do not agree on the potential impact of this missense change (SIFT: "Deleterious"; PolyPhen-2: "Benign"; Align-GVGD: "Class C0"). In summary, the available evidence is currently insufficient to determine the role of this variant in disease. Therefore, it has been classified as a Variant of Uncertain Significance.

NM_030962.4(SBF2):c.2938A>G (p.Ile980Val)

Genes: SBF2 (SET binding factor 2; minus strand), LOC101928008 (uncharacterized LOC101928008; plus strand). Cytogenetic location: 11p15.4.
Variant type: single nucleotide variant.
Coding change: c.2938A>G on transcript NM_030962.4 (MANE Select); coding-DNA position 2938, A replaced by G.
Protein change: p.Ile980Val; replaces isoleucine 980 with valine.
Molecular consequence: missense variant.
Genome position (GRCh38, 1-based): chr11:9,845,737, T>C on the plus strand (A>G on the coding strand, the complement: SBF2 is on the minus strand). VCF-style: chr11-9845737-T-C. GRCh37 (hg19) VCF-style: chr11-9867284-T-C.
Other names: c.2938A>G, p.Ile980Val (NM_001386339.1); c.2809A>G, p.Ile937Val (NM_001386342.1); short protein forms I980V, I937V.
Identifiers: ClinVar variation 578552 (VCV000578552.11), dbSNP rs148625171, ClinGen allele CA5881405.
Genomic context (GRCh38, chr11:9,845,737, plus strand): 5'-GCTGTTTCTTAAAGATCTCTACTACTTCTGGACTGACTTCTTCATCAAATGCTACCTTAA[T>C]CAACTAGAAGCAAAAGAGATTAAACACAAAAGAAGCATTAAGGATTTCCTGGCAACTTTC-3'
Protein context (NP_112224.1, residues 970-990): LQITSASFQL[Ile980Val]KVAFDEEVSP